The following is an entry in ClinVar:

ClinVar aggregate classification (germline): Uncertain significance (1 of 4 stars; one submission).

gnomAD v4.1: 3 of 1,613,654 alleles (0.00019%); highest among the groups gnomAD compares: Non-Finnish European, 0.00025%; no homozygotes.

Submission:

CeGaT Center for Human Genetics Tuebingen
Classification: Uncertain significance. Last evaluated: 2024-05-01. Review status: criteria provided, single submitter. Criteria: CeGaT Center For Human Genetics Tuebingen Variant Classification Criteria Version 2. Collection method: clinical testing. Allele origin: germline. Affected: yes. Observed: 1 variant allele.
Comment: ABCC6: PM2, PM3:Supporting, PP2, BP4

NM_001171.6(ABCC6):c.121C>T (p.Pro41Ser)

Gene: ABCC6 (ATP binding cassette subfamily C member 6; minus strand). Cytogenetic location: 16p13.11.
Variant type: single nucleotide variant.
Coding change: c.121C>T on transcript NM_001171.6 (MANE Select); coding-DNA position 121, C replaced by T.
Protein change: p.Pro41Ser; replaces proline 41 with serine.
Molecular consequence: missense variant. On other transcripts: 5 prime UTR variant (1), non-coding transcript variant (1).
Genome position (GRCh38, 1-based): chr16:16,221,747, G>A on the plus strand (C>T on the coding strand, the complement: ABCC6 is on the minus strand). VCF-style: chr16-16221747-G-A. GRCh37 (hg19) VCF-style: chr16-16315604-G-A.
Other names: c.121C>T, p.Pro41Ser (NM_001079528.4); c.-253C>T (NM_001351800.1); short protein forms P41S.
Identifiers: ClinVar variation 3239113 (VCV003239113.19), dbSNP rs753761990.